The following is an entry in ClinVar:

ClinVar aggregate classification (germline): Uncertain significance. Review status: criteria provided, multiple submitters, no conflicts (2 of 4 stars). 2 submissions from 2 submitters: Uncertain significance (2). Last evaluated 2023-04-04.

Conditions:
Familial sleep-related hypermotor epilepsy. Also called: Autosomal Dominant Sleep-Related Hypermotor (Hyperkinetic) Epilepsy. Identifiers: Orphanet 98784, MedGen C3696898, MONDO:0000030.

Allele frequency attached by ClinVar (database versions not stated): gnomAD exomes below 0.00001; ExAC 0.00001.

Submissions (2):

GeneDx
Classification: Uncertain significance. Last evaluated: 2023-04-04. Review status: criteria provided, single submitter. Criteria: GeneDx Variant Classification Process June 2021. Collection method: clinical testing. Allele origin: germline. Affected: yes.
Comment: Not observed at significant frequency in large population cohorts (gnomAD); In silico analysis supports that this missense variant has a deleterious effect on protein structure/function; Has not been previously published as pathogenic or benign to our knowledge

Labcorp Genetics (formerly Invitae), Labcorp
Classification: Uncertain significance. Last evaluated: 2021-04-11. Review status: criteria provided, single submitter. Criteria: Invitae Variant Classification Sherloc (09022015). Collection method: clinical testing. Allele origin: germline.
Comment: This sequence change replaces proline with leucine at codon 46 of the CHRNA2 protein (p.Pro46Leu). The proline residue is weakly conserved and there is a moderate physicochemical difference between proline and leucine. This variant is present in population databases (rs748345482, ExAC 0.01%). This variant has not been reported in the literature in individuals with CHRNA2-related conditions. Advanced modeling of protein sequence and biophysical properties (such as structural, functional, and spatial information, amino acid conservation, physicochemical variation, residue mobility, and thermodynamic stability) performed at Invitae indicates that this missense variant is not expected to disrupt CHRNA2 protein function. In summary, the available evidence is currently insufficient to determine the role of this variant in disease. Therefore, it has been classified as a Variant of Uncertain Significance.

NM_000742.4(CHRNA2):c.137C>T (p.Pro46Leu)

Gene: CHRNA2 (cholinergic receptor nicotinic alpha 2 subunit; minus strand). Cytogenetic location: 8p21.2.
Variant type: single nucleotide variant.
Coding change: c.137C>T on transcript NM_000742.4 (MANE Select); coding-DNA position 137, C replaced by T.
Protein change: p.Pro46Leu; replaces proline 46 with leucine.
Molecular consequence: missense variant. On other transcripts: 5 prime UTR variant (4).
Genome position (GRCh38, 1-based): chr8:27,469,918, G>A on the plus strand (C>T on the coding strand, the complement: CHRNA2 is on the minus strand). VCF-style: chr8-27469918-G-A. GRCh37 (hg19) VCF-style: chr8-27327435-G-A.
Other names: c.137C>T, p.Pro46Leu (NM_001282455.2); c.-291C>T (NM_001347705.2); c.-336C>T (NM_001347706.2); c.-277C>T (NM_001347707.2); c.-325C>T (NM_001347708.2); c.137C>T (NM_000742.3); short protein forms P46L.
Identifiers: ClinVar variation 1472905 (VCV001472905.8), dbSNP rs748345482, ClinGen allele CA4689785.